The following is an entry in ClinVar:

ClinVar aggregate classification (germline): Uncertain significance (1 of 4 stars; one submission).

Conditions:
Ullrich congenital muscular dystrophy 2 (UCMD2). Identifiers: Orphanet 75840, MedGen C4225314, MONDO:0014654, OMIM 616470.
Bethlem myopathy 2 (BTHLM2). Identifiers: Orphanet 536516, Orphanet 610, MedGen C4225313, MONDO:0034022, OMIM 616471.

Submission:

Labcorp Genetics (formerly Invitae), Labcorp
Classification: Uncertain significance for Bethlem myopathy 2; Ullrich congenital muscular dystrophy 2. Last evaluated: 2023-08-22. Review status: criteria provided, single submitter. Criteria: Invitae Variant Classification Sherloc (09022015). Collection method: clinical testing. Allele origin: germline.
Comment: This sequence change replaces glycine, which is neutral and non-polar, with valine, which is neutral and non-polar, at codon 2951 of the COL12A1 protein (p.Gly2951Val). This variant is not present in population databases (gnomAD no frequency). This variant has not been reported in the literature in individuals affected with COL12A1-related conditions. An algorithm developed to predict the effect of missense changes on protein structure and function (PolyPhen-2) suggests that this variant is likely to be disruptive. In summary, the available evidence is currently insufficient to determine the role of this variant in disease. Therefore, it has been classified as a Variant of Uncertain Significance.

NM_004370.6(COL12A1):c.8852G>T (p.Gly2951Val)

Gene: COL12A1 (collagen type XII alpha 1 chain; minus strand). Cytogenetic location: 6q13.
Variant type: single nucleotide variant.
Coding change: c.8852G>T on transcript NM_004370.6 (MANE Select); coding-DNA position 8852, G replaced by T.
Protein change: p.Gly2951Val; replaces glycine 2951 with valine.
Molecular consequence: missense variant.
Genome position (GRCh38, 1-based): chr6:75,090,199, C>A on the plus strand (G>T on the coding strand, the complement: COL12A1 is on the minus strand). VCF-style: chr6-75090199-C-A. GRCh37 (hg19) VCF-style: chr6-75799915-C-A.
Other names: c.8852G>T, p.Gly2951Val (NM_001424113.1); c.8831G>T, p.Gly2944Val (NM_001424114.1); c.8579G>T, p.Gly2860Val (NM_001424115.1); c.5360G>T, p.Gly1787Val (NM_001424116.1, NM_080645.3); short protein forms G1787V, G2860V, G2944V, G2951V.
Identifiers: ClinVar variation 2951178 (VCV002951178.3), dbSNP rs2533031572, ClinGen allele CA364734909.